The following is an entry in ClinVar:

ClinVar aggregate classification (germline): Pathogenic (1 of 4 stars; one submission).

Conditions:
Ellis-van Creveld syndrome (EVC). Also called: MESOECTODERMAL DYSPLASIA; Chondroectodermal dysplasia. Identifiers: Orphanet 289, MedGen C0013903, MONDO:0009162, OMIM 225500.

Submission:

Myriad Genetics, Inc.
Classification: Pathogenic for Ellis-van Creveld syndrome. Last evaluated: 2024-12-19. Review status: criteria provided, single submitter. Criteria: Myriad Autosomal Dominant, Autosomal Recessive and X-Linked Classification Criteria (2023). Collection method: clinical testing. Allele origin: unknown.
Comment: NM_147127.4(EVC2):c.3071T>A(L1024*) is expected to be pathogenic in the context of EVC2-related Ellis-van Creveld syndrome. This variant is predicted to lead to an abnormal or absent protein product due to the creation of a premature termination codon in EVC2, a gene where loss-of-function variants are known to be pathogenic. Please note: this variant was assessed in the context of healthy population screening.

NM_147127.5(EVC2):c.3071T>A (p.Leu1024Ter)

Gene: EVC2 (EvC ciliary complex subunit 2; minus strand). Cytogenetic location: 4p16.2.
Variant type: single nucleotide variant.
Coding change: c.3071T>A on transcript NM_147127.5 (MANE Select); coding-DNA position 3071, T replaced by A.
Protein change: p.Leu1024Ter; replaces leucine 1024 with a stop codon.
Molecular consequence: nonsense.
Genome position (GRCh38, 1-based): chr4:5,576,441, A>T on the plus strand (T>A on the coding strand, the complement: EVC2 is on the minus strand). VCF-style: chr4-5576441-A-T. GRCh37 (hg19) VCF-style: chr4-5578168-A-T.
Other names: c.2831T>A, p.Leu944Ter (NM_001166136.2); short protein forms L1024*, L944*.
Identifiers: ClinVar variation 5013873 (VCV005013873.1).